The following is an entry in ClinVar:

ClinVar aggregate classification (germline): Pathogenic (1 of 4 stars; one submission).

Submission:

Labcorp Genetics (formerly Invitae), Labcorp
Classification: Pathogenic. Last evaluated: 2023-04-21. Review status: criteria provided, single submitter. Criteria: Invitae Variant Classification Sherloc (09022015). Collection method: clinical testing. Allele origin: germline.
Comment: For these reasons, this variant has been classified as Pathogenic. This variant has not been reported in the literature in individuals affected with MICU1-related conditions. This variant is present in population databases (rs763449647, gnomAD 0.01%). This sequence change creates a premature translational stop signal (p.Arg327Alafs*50) in the MICU1 gene. It is expected to result in an absent or disrupted protein product. Loss-of-function variants in MICU1 are known to be pathogenic (PMID: 24336167).

Literature cited by the submitters: PubMed 24336167.

NM_001195518.2(MICU1):c.973_974del (p.Arg325fs)

Gene: MICU1 (mitochondrial calcium uptake 1; minus strand). Cytogenetic location: 10q22.1.
Variant type: Microsatellite.
Coding change: c.973_974del on transcript NM_001195518.2 (MANE Select); coding-DNA positions 973 to 974, 2 bases deleted (AG; older notation c.973_974delAG).
Protein change: p.Arg325fs; shifts the reading frame from arginine 325.
Molecular consequence: frameshift variant.
Genome position (GRCh38, 1-based): chr10:72,423,331-72,423,332, CT deleted on the plus strand (AG on the coding strand, the reverse complement: MICU1 is on the minus strand); deleting any 2 consecutive bases within chr10:72,423,331-72,423,335 gives the same sequence; the c. name uses the placement nearest the transcript's 3' end. VCF-style (leftmost placement, unchanged base first): chr10-72423330-CCT-C. GRCh37 (hg19) VCF-style: chr10-74183088-CCT-C.
Other names: c.379_380del, p.Arg127fs (NM_001195519.2); c.991_992del, p.Arg331fs (NM_001363513.2); c.979_980del, p.Arg327fs (NM_006077.4); short protein forms R331fs, R127fs, R325fs, R327fs.
Identifiers: ClinVar variation 2994820 (VCV002994820.3), dbSNP rs763449647, ClinGen allele CA5550101.